The following is an entry in ClinVar:

NM_004329.3(BMPR1A):c.1098A>C (p.Lys366Asn)

Gene: BMPR1A (bone morphogenetic protein receptor type 1A; plus strand). Cytogenetic location: 10q23.2.
Variant type: single nucleotide variant.
Coding change: c.1098A>C on transcript NM_004329.3 (MANE Select); coding-DNA position 1098, A replaced by C.
Protein change: p.Lys366Asn; replaces lysine 366 with asparagine.
Molecular consequence: missense variant.
Genome position (GRCh38, 1-based): chr10:86,919,401, A>C. VCF-style: chr10-86919401-A-C. GRCh37 (hg19) VCF-style: chr10-88679158-A-C.
Other names: short protein forms K366N.
Identifiers: ClinVar variation 411620 (VCV000411620.31), dbSNP rs1060503397, ClinGen allele CA16612988.

ClinVar aggregate classification (germline): Uncertain significance. Review status: criteria provided, multiple submitters, no conflicts (2 of 4 stars). 9 submissions from 9 submitters: Uncertain significance (9). Last evaluated 2026-03-19.

Conditions:
Juvenile polyposis syndrome (JPS). Identifiers: Orphanet 2929, MedGen C0345893, MONDO:0017380, OMIM 174900.
Hereditary cancer-predisposing syndrome. Also called: Hereditary Cancer Syndrome; Tumor predisposition; Hereditary neoplastic syndrome; Neoplastic Syndromes, Hereditary. Identifiers: Orphanet 140162, MedGen C0027672, MeSH D009386, MONDO:0015356.
Polyposis syndrome, hereditary mixed, 2. Identifiers: Orphanet 157794, MedGen C1864730, MONDO:0012405, OMIM 610069.
Generalized juvenile polyposis/juvenile polyposis coli. Also called: Juvenile polyposis coli. Identifiers: Orphanet 329971, MedGen C1868081, MONDO:0008276.

Allele frequency attached by ClinVar (database versions not stated): gnomAD exomes below 0.00001.
gnomAD v4.1: 2 of 1,613,154 alleles (0.00012%); highest among the groups gnomAD compares: Non-Finnish European, 0.00017%; no homozygotes.

Submissions (9):

Ambry Genetics
Classification: Uncertain significance for Hereditary cancer-predisposing syndrome. Last evaluated: 2026-03-19. Review status: criteria provided, single submitter. Criteria: Ambry Variant Classification Scheme 2023. Collection method: clinical testing. Allele origin: germline.
Comment: The p.K366N variant (also known as c.1098A>C), located in coding exon 8 of the BMPR1A gene, results from an A to C substitution at nucleotide position 1098. The lysine at codon 366 is replaced by asparagine, an amino acid with similar properties. This variant was detected as heterozygous in individual(s) with no reported features of BMPR1A-related juvenile polyposis syndrome (Ambry internal data). This amino acid position is highly conserved in available vertebrate species. In addition, the in silico prediction for this alteration is inconclusive. Based on the available evidence, the clinical significance of this variant remains unclear.

Labcorp Genetics (formerly Invitae), Labcorp
Classification: Uncertain significance for Juvenile polyposis syndrome. Last evaluated: 2025-08-06. Review status: criteria provided, single submitter. Criteria: Invitae Variant Classification Sherloc (09022015). Collection method: clinical testing. Allele origin: germline.
Comment: This sequence change replaces lysine, which is basic and polar, with asparagine, which is neutral and polar, at codon 366 of the BMPR1A protein (p.Lys366Asn). This variant is not present in population databases (gnomAD no frequency). This variant has not been reported in the literature in individuals affected with BMPR1A-related conditions. ClinVar contains an entry for this variant (Variation ID: 411620). Invitae Evidence Modeling incorporating data from in vitro experimental studies (internal data) indicates that this missense variant is not expected to disrupt BMPR1A function with a negative predictive value of 95%. In summary, the available evidence is currently insufficient to determine the role of this variant in disease. Therefore, it has been classified as a Variant of Uncertain Significance.

Quest Diagnostics Nichols Institute San Juan Capistrano
Classification: Uncertain significance. Last evaluated: 2024-11-15. Review status: criteria provided, single submitter. Criteria: Quest Diagnostics criteria. Collection method: clinical testing. Allele origin: unknown.
Comment: The BMPR1A c.1098A>C (p.Lys366Asn) variant has not been reported in individuals with BMPR1A-related conditions in the published literature. It also has not been reported in large, multi-ethnic general populations (Genome Aggregation Database). Analysis of this variant using bioinformatics tools for the prediction of the effect of amino acid changes on protein structure and function yielded predictions that this variant is damaging. Based on the available information, we are unable to determine the clinical significance of this variant.

Baylor Genetics
Classification: Uncertain significance for Polyposis syndrome, hereditary mixed, 2. Last evaluated: 2024-01-03. Review status: criteria provided, single submitter. Criteria: ACMG Guidelines, 2015. Collection method: clinical testing. Allele origin: unknown.

All of Us Research Program, National Institutes of Health
Classification: Uncertain significance for Juvenile polyposis syndrome. Last evaluated: 2023-11-02. Review status: criteria provided, single submitter. Criteria: ACMG Guidelines, 2015. Collection method: clinical testing. Allele origin: germline. Inheritance: Autosomal dominant inheritance. Observed: 1 variant allele, 1 heterozygote.
Comment: This missense variant replaces lysine with asparagine at codon 366 of the BMPR1A protein. Computational prediction suggests that this variant may have deleterious impact on protein structure and function (internally defined REVEL score threshold >= 0.7, PMID: 27666373). To our knowledge, functional studies have not been reported for this variant. This variant has not been reported in individuals affected with BMPR1A-related disorders in the literature. This variant has not been identified in the general population by the Genome Aggregation Database (gnomAD). The available evidence is insufficient to determine the role of this variant in disease conclusively. Therefore, this variant is classified as a Variant of Uncertain Significance.

This study involves interpretation of variants in research participants for the purpose of population health screening. Participant phenotype was not available at the time of variant classification. Additional details can be found in publication PMID: 35346344, PMCID: PMC8962531

Color Diagnostics, LLC DBA Color Health
Classification: Uncertain significance for Hereditary cancer-predisposing syndrome. Last evaluated: 2023-10-18. Review status: criteria provided, single submitter. Criteria: ACMG Guidelines, 2015. Collection method: clinical testing. Allele origin: germline.
Comment: This missense variant replaces lysine with asparagine at codon 366 of the BMPR1A protein. Computational prediction suggests that this variant may have deleterious impact on protein structure and function (internally defined REVEL score threshold >= 0.7, PMID: 27666373). To our knowledge, functional studies have not been reported for this variant. This variant has not been reported in individuals affected with BMPR1A-related disorders in the literature. This variant has not been identified in the general population by the Genome Aggregation Database (gnomAD). The available evidence is insufficient to determine the role of this variant in disease conclusively. Therefore, this variant is classified as a Variant of Uncertain Significance.

GeneDx
Classification: Uncertain significance. Last evaluated: 2022-11-16. Review status: criteria provided, single submitter. Criteria: GeneDx Variant Classification Process June 2021. Collection method: clinical testing. Allele origin: germline. Affected: yes.
Comment: Not observed at significant frequency in large population cohorts (gnomAD); In silico analysis supports that this missense variant has a deleterious effect on protein structure/function; Has not been previously published as pathogenic or benign to our knowledge

Women's Health and Genetics/Laboratory Corporation of America, LabCorp
Classification: Uncertain significance. Last evaluated: 2019-07-05. Review status: criteria provided, single submitter. Criteria: LabCorp Variant Classification Summary - May 2015. Collection method: clinical testing. Allele origin: germline.
Comment: Variant summary: BMPR1A c.1098A>C (p.Lys366Asn) results in a non-conservative amino acid change located in the Protein kinase domain (IPR000719) of the encoded protein sequence. Five of five in-silico tools predict a damaging effect of the variant on protein function. The variant was absent in 251014 control chromosomes (gnomAD). The available data on variant occurrences in the general population are insufficient to allow any conclusion about variant significance. To our knowledge, no occurrence of c.1098A>C in individuals affected with Juvenile Polyposis Syndrome and no experimental evidence demonstrating its impact on protein function have been reported. Two clinical diagnostic laboratories have submitted clinical-significance assessments for this variant to ClinVar after 2014 without evidence for independent evaluation. All laboratories classified the variant as uncertain significance. Based on the evidence outlined above, the variant was classified as uncertain significance.

Illumina Laboratory Services, Illumina
Classification: Uncertain significance for Juvenile polyposis syndrome. Last evaluated: 2018-01-13. Review status: criteria provided, single submitter. Criteria: ICSL Variant Classification Criteria 13 December 2019. Collection method: clinical testing. Allele origin: germline.